The following is an entry in ClinVar:

NM_001127222.2(CACNA1A):c.2842C>T (p.Arg948Cys)

Gene: CACNA1A (calcium voltage-gated channel subunit alpha1 A; minus strand). Cytogenetic location: 19p13.13.
Variant type: single nucleotide variant.
Coding change: c.2842C>T on transcript NM_001127222.2 (MANE Select); coding-DNA position 2842, C replaced by T.
Protein change: p.Arg948Cys; replaces arginine 948 with cysteine.
Molecular consequence: missense variant.
Genome position (GRCh38, 1-based): chr19:13,298,791, G>A on the plus strand (C>T on the coding strand, the complement: CACNA1A is on the minus strand). VCF-style: chr19-13298791-G-A. GRCh37 (hg19) VCF-style: chr19-13409605-G-A.
Other names: c.2854C>T, p.Arg952Cys (NM_000068.4, NM_023035.3); c.2845C>T, p.Arg949Cys (NM_001127221.2, NM_001174080.2); short protein forms R948C, R949C, R952C.
Identifiers: ClinVar variation 1020680 (VCV001020680.11), dbSNP rs16978975, ClinGen allele CA305506260.
Genomic context (GRCh38, chr19:13,298,791, plus strand): 5'-CCTCCTCCCCGGGCCTGCGGTGCGCGCGATGACGTCGATGCTCCCCGTCCGCGCCCGTGC[G>A]CGGGGACCCGCTGCGGCTCTCCCTGCTGCCCCCCTGCCGGTGCACGTGCCTCCGGTGGGG-3'
Protein context (NP_001120694.1, residues 938-958): GSRESRSGSP[Arg948Cys]TGADGEHRRH

ClinVar aggregate classification (germline): Uncertain significance. Review status: criteria provided, multiple submitters, no conflicts (2 of 4 stars). 2 submissions from 2 submitters: Uncertain significance (2). Last evaluated 2024-12-17.

Conditions:
Developmental and epileptic encephalopathy, 42 (DEE42A). Also called: DEVELOPMENTAL AND EPILEPTIC ENCEPHALOPATHY 42A; EPILEPTIC ENCEPHALOPATHY, EARLY INFANTILE, 42A; Epileptic encephalopathy, early infantile, 42. Identifiers: MedGen C4310716, MONDO:0014917, OMIM 617106.
Episodic ataxia type 2 (EA2). Also called: ACETAZOLAMIDE-RESPONSIVE HEREDITARY PAROXYSMAL CEREBELLAR ATAXIA; EPISODIC ATAXIA, NYSTAGMUS-ASSOCIATED; ATAXIA, EPISODIC, WITH NYSTAGMUS; ATAXIA, FAMILIAL PAROXYSMAL; CEREBELLAR ATAXIA, PAROXYSMAL, ACETAZOLAMIDE-RESPONSIVE; CEREBELLOPATHY, HEREDITARY PAROXYSMAL. Identifiers: Orphanet 97, MedGen C1720416, MONDO:0007163, OMIM 108500.

Allele frequency attached by ClinVar (database versions not stated): gnomAD exomes below 0.00001; TOPMed 0.00001; gnomAD 0.00001.
gnomAD v4.1: 4 of 1,542,560 alleles (0.00026%); highest among the groups gnomAD compares: Middle Eastern, 0.021%; no homozygotes.

Submissions (2):

Labcorp Genetics (formerly Invitae), Labcorp
Classification: Uncertain significance for Developmental and epileptic encephalopathy, 42; Episodic ataxia type 2. Last evaluated: 2024-12-17. Review status: criteria provided, single submitter. Criteria: Invitae Variant Classification Sherloc (09022015). Collection method: clinical testing. Allele origin: germline.
Comment: This sequence change replaces arginine, which is basic and polar, with cysteine, which is neutral and slightly polar, at codon 949 of the CACNA1A protein (p.Arg949Cys). This variant is not present in population databases (gnomAD no frequency). This variant has not been reported in the literature in individuals affected with CACNA1A-related conditions. ClinVar contains an entry for this variant (Variation ID: 1020680). Invitae Evidence Modeling of protein sequence and biophysical properties (such as structural, functional, and spatial information, amino acid conservation, physicochemical variation, residue mobility, and thermodynamic stability) indicates that this missense variant is not expected to disrupt CACNA1A protein function with a negative predictive value of 95%. In summary, the available evidence is currently insufficient to determine the role of this variant in disease. Therefore, it has been classified as a Variant of Uncertain Significance.

Dubai Health Genomic Medicine Center, Dubai Health
Classification: Uncertain significance for Developmental and epileptic encephalopathy, 42. Last evaluated: 2020-03-24. Review status: criteria provided, single submitter. Criteria: ACMG Guidelines, 2015. Collection method: clinical testing. Allele origin: germline. Affected: yes.
Comment: The Arg949Cys in CACNA1A has not been previously reported in affected individuals. Its true allele frequency in large population studies such as the Genome Aggregation Database (gnomAD) cannot be determined due to low seqeuncing quality in this region. Computational prediction tools and conservation analysis do not suggest an impact to protein function however this information is not predictive enough to rule out opathogenicity. In summary more information is needed to determine the clinical significance of this variant.